The following is an entry in ClinVar:

NM_006206.6(PDGFRA):c.1190A>G (p.Gln397Arg)

Gene: PDGFRA (platelet derived growth factor receptor alpha; plus strand). Cytogenetic location: 4q12.
Variant type: single nucleotide variant.
Coding change: c.1190A>G on transcript NM_006206.6 (MANE Select); coding-DNA position 1190, A replaced by G.
Protein change: p.Gln397Arg; replaces glutamine 397 with arginine.
Molecular consequence: missense variant.
Genome position (GRCh38, 1-based): chr4:54,270,701, A>G. VCF-style: chr4-54270701-A-G. GRCh37 (hg19) VCF-style: chr4-55136868-A-G.
Other names: c.1190A>G, p.Gln397Arg (NM_001347827.2, NM_001347829.2); c.1265A>G, p.Gln422Arg (NM_001347828.2); c.1229A>G, p.Gln410Arg (NM_001347830.2); short protein forms Q410R, Q397R, Q422R.
Identifiers: ClinVar variation 2776795 (VCV002776795.4), dbSNP rs2475472087, ClinGen allele CA356892014.
Genomic context (GRCh38, chr4:54,270,701, plus strand): 5'-GCAAATTAAAGCTGATCCGTGCTAAGGAAGAAGACAGTGGCCATTATACTATTGTAGCTC[A>G]AAATGAAGATGCTGTGAAGAGCTATACTTTTGAACTGTTAACTCAAGGTATGTAAAGGGA-3'
Protein context (NP_006197.1, residues 387-407): EDSGHYTIVA[Gln397Arg]NEDAVKSYTF

ClinVar aggregate classification (germline): Uncertain significance. Review status: criteria provided, multiple submitters, no conflicts (2 of 4 stars). 2 submissions from 2 submitters: Uncertain significance (2). Last evaluated 2026-07-06.

Conditions:
Gastrointestinal stromal tumor. Also called: Gastrointestinal stroma tumor; Gastrointestinal stromal tumor, somatic. Identifiers: Orphanet 44890, MedGen C0238198, MeSH D046152, MONDO:0011719, OMIM 606764, HP:0100723.
Hereditary cancer-predisposing syndrome. Also called: Hereditary Cancer Syndrome; Hereditary neoplastic syndrome; Neoplastic Syndromes, Hereditary; Tumor predisposition. Identifiers: Orphanet 140162, MedGen C0027672, MeSH D009386, MONDO:0015356.

Submissions (2):

Ambry Genetics
Classification: Uncertain significance for Hereditary cancer-predisposing syndrome. Last evaluated: 2026-07-06. Review status: criteria provided, single submitter. Criteria: Ambry Variant Classification Scheme 2023. Collection method: clinical testing. Allele origin: germline.
Comment: The p.Q397R variant (also known as c.1190A>G), located in coding exon 7 of the PDGFRA gene, results from an A to G substitution at nucleotide position 1190. The glutamine at codon 397 is replaced by arginine, an amino acid with highly similar properties. This amino acid position is conserved. In addition, this alteration is predicted to be tolerated by in silico analysis. Based on the available evidence, the clinical significance of this variant remains unclear.

Labcorp Genetics (formerly Invitae), Labcorp
Classification: Uncertain significance for Gastrointestinal stromal tumor. Last evaluated: 2022-01-17. Review status: criteria provided, single submitter. Criteria: Invitae Variant Classification Sherloc (09022015). Collection method: clinical testing. Allele origin: germline.
Comment: In summary, the available evidence is currently insufficient to determine the role of this variant in disease. Therefore, it has been classified as a Variant of Uncertain Significance. Algorithms developed to predict the effect of missense changes on protein structure and function (SIFT, PolyPhen-2, Align-GVGD) all suggest that this variant is likely to be tolerated. This variant has not been reported in the literature in individuals affected with PDGFRA-related conditions. This variant is not present in population databases (gnomAD no frequency). This sequence change replaces glutamine, which is neutral and polar, with arginine, which is basic and polar, at codon 397 of the PDGFRA protein (p.Gln397Arg).